The following is an entry in ClinVar:

ClinVar aggregate classification (germline): Pathogenic/Likely pathogenic. Review status: criteria provided, multiple submitters, no conflicts (2 of 4 stars). 5 submissions from 5 submitters: Pathogenic (3); Likely pathogenic (2). Last evaluated 2025-07-22.

Conditions:
ATM-related disorder. Also called: ATM-related disorders; ATM-related condition.
Hereditary cancer-predisposing syndrome. Also called: Neoplastic Syndromes, Hereditary; Hereditary Cancer Syndrome; Tumor predisposition; Hereditary neoplastic syndrome. Identifiers: Orphanet 140162, MedGen C0027672, MeSH D009386, MONDO:0015356.
Familial cancer of breast. Also called: Hereditary breast cancer; BREAST CANCER, FAMILIAL; hereditary breast carcinoma. Identifiers: Orphanet 227535, MedGen C0346153, MONDO:0016419, OMIM 114480. Disease mechanism: loss of function.
Ataxia-telangiectasia syndrome (AT). Also called: LOUIS-BAR SYNDROME; Cerebello-oculocutaneous telangiectasia; Immunodeficiency with ataxia telangiectasia; Ataxia-telangiectasia, complementation group D; AT, COMPLEMENTATION GROUP C; Ataxia-telangiectasia, complementation group E. Identifiers: Orphanet 100, MedGen C0004135, MONDO:0008840, OMIM 208900.

Submissions (5):

Ambry Genetics
Classification: Pathogenic for Hereditary cancer-predisposing syndrome. Last evaluated: 2025-07-22. Review status: criteria provided, single submitter. Criteria: Ambry Variant Classification Scheme 2023. Collection method: clinical testing. Allele origin: germline.
Comment: The p.Y2009* pathogenic mutation (also known as c.6027C>G), located in coding exon 40 of the ATM gene, results from a C to G substitution at nucleotide position 6027. This changes the amino acid from a tyrosine to a stop codon within coding exon 40. This alteration is expected to result in loss of function by premature protein truncation or nonsense-mediated mRNA decay. As such, this alteration is interpreted as a disease-causing mutation.

Fulgent Genetics
Classification: Likely pathogenic for Familial cancer of breast; Ataxia-telangiectasia syndrome. Last evaluated: 2024-03-08. Review status: criteria provided, single submitter. Criteria: ACMG Guidelines, 2015. Collection method: clinical testing. Allele origin: germline.

3billion
Classification: Pathogenic for Ataxia-telangiectasia syndrome. Last evaluated: 2023-02-23. Review status: criteria provided, single submitter. Criteria: ACMG Guidelines, 2015. Collection method: clinical testing. Allele origin: unknown. Affected: yes.
Comment: The variant is not observed in the gnomAD v2.1.1 dataset. This variant was predicted to result in a loss or disruption of normal protein function through nonsense-mediated decay (NMD) or protein truncation. Multiple pathogenic variants are reported downstream of the variant. The variant has been reported at least twice as pathogenic without evidence for the classification (ClinVar ID: VCV000482675 / PMID: 30067863). Therefore, this variant is classified as Pathogenic according to the recommendation of ACMG/AMP guideline.

Blueprint Genetics
Classification: Likely pathogenic for ATM-related disorders. Last evaluated: 2022-12-29. Review status: criteria provided, single submitter. Criteria: ACMG Guidelines, 2015. Collection method: clinical testing. Allele origin: germline. Affected: yes. Observed: 1 variant allele.

Labcorp Genetics (formerly Invitae), Labcorp
Classification: Pathogenic for Ataxia-telangiectasia syndrome. Last evaluated: 2022-12-20. Review status: criteria provided, single submitter. Criteria: Invitae Variant Classification Sherloc (09022015). Collection method: clinical testing. Allele origin: germline.
Comment: For these reasons, this variant has been classified as Pathogenic. ClinVar contains an entry for this variant (Variation ID: 482675). This variant has not been reported in the literature in individuals affected with ATM-related conditions. This variant is not present in population databases (gnomAD no frequency). This sequence change creates a premature translational stop signal (p.Tyr2009*) in the ATM gene. It is expected to result in an absent or disrupted protein product. Loss-of-function variants in ATM are known to be pathogenic (PMID: 23807571, 25614872).

Literature cited by the submitters: PubMed 30067863 (cited by 3billion); PubMed 23807571 (cited by Labcorp Genetics (formerly Invitae), Labcorp); PubMed 25614872 (cited by Labcorp Genetics (formerly Invitae), Labcorp).

NM_000051.4(ATM):c.6027C>G (p.Tyr2009Ter)

Genes: ATM (ATM serine/threonine kinase; plus strand), C11orf65 (chromosome 11 open reading frame 65; minus strand). Cytogenetic location: 11q22.3.
Variant type: single nucleotide variant.
Coding change: c.6027C>G on transcript NM_000051.4 (MANE Select); coding-DNA position 6027, C replaced by G.
Protein change: p.Tyr2009Ter; replaces tyrosine 2009 with a stop codon.
Molecular consequence: nonsense. On other transcripts: intron variant (2).
Genome position (GRCh38, 1-based): chr11:108,315,843, C>G. VCF-style: chr11-108315843-C-G. GRCh37 (hg19) VCF-style: chr11-108186570-C-G.
Other names: c.6027C>G, p.Tyr2009Ter (NM_001351834.2); c.641-6772G>C (NM_001330368.2); c.*39-6772G>C (NM_001351110.2); short protein forms Y2009*.
Identifiers: ClinVar variation 482675 (VCV000482675.16), dbSNP rs1555113567, ClinGen allele CA382549871.